The following is an entry in ClinVar:

ClinVar aggregate classification (germline): Likely benign (0 of 4 stars; one submission).

Conditions:
VWA3B-related disorder. Also called: VWA3B-related condition.

Allele frequency attached by ClinVar (database versions not stated): 1000 Genomes Project 0.00040; 1000 Genomes Project 30x 0.00047; TOPMed 0.00074; gnomAD 0.00088; gnomAD exomes 0.00112; ESP Exome Variant Server 0.00114; ExAC 0.00122.
gnomAD v4.1: 1,765 of 1,614,130 alleles (0.11%); highest among the groups gnomAD compares: South Asian, 0.15%; 2 homozygotes.

Submission:

PreventionGenetics, part of Exact Sciences
Classification: Likely benign for VWA3B-related condition. Last evaluated: 2022-03-03. Review status: no assertion criteria provided. Collection method: clinical testing. Allele origin: germline.
Comment: This variant is classified as likely benign based on ACMG/AMP sequence variant interpretation guidelines (Richards et al. 2015 PMID: 25741868, with internal and published modifications).

NM_144992.5(VWA3B):c.124C>A (p.Leu42Met)

Gene: VWA3B (von Willebrand factor A domain containing 3B; plus strand). Cytogenetic location: 2q11.2.
Variant type: single nucleotide variant.
Coding change: c.124C>A on transcript NM_144992.5 (MANE Select); coding-DNA position 124, C replaced by A.
Protein change: p.Leu42Met; replaces leucine 42 with methionine.
Molecular consequence: missense variant. On other transcripts: non-coding transcript variant (3).
Genome position (GRCh38, 1-based): chr2:98,093,216, C>A. VCF-style: chr2-98093216-C-A. GRCh37 (hg19) VCF-style: chr2-98709679-C-A.
Other names: short protein forms L42M.
Identifiers: ClinVar variation 3033705 (VCV003033705.2), dbSNP rs200359284, ClinGen allele CA1792113.
Genomic context (GRCh38, chr2:98,093,216, plus strand): 5'-ATTAACACCAAAACAGACTTGGCTGAGCAGAGTCTCATTTCATCTGAGAAATGGCTTCAA[C>A]TGCATGGGCTTAAGAGCAACAAATTGACCTTGAAACAGATTTTGTCACAGATCGGATTCC-3'
Protein context (NP_659429.4, residues 32-52): SLISSEKWLQ[Leu42Met]HGLKSNKLTL